The following is an entry in ClinVar:

NM_012179.4(FBXO7):c.893_894insT (p.Lys299fs)

Gene: FBXO7 (F-box protein 7; plus strand). Cytogenetic location: 22q12.3.
Variant type: Insertion.
Coding change: c.893_894insT on transcript NM_012179.4 (MANE Select); coding-DNA positions 893 to 894, T inserted.
Protein change: p.Lys299fs; shifts the reading frame from lysine 299.
Molecular consequence: frameshift variant.
Genome position: GRCh38 VCF-style: chr22-32491107-A-AT. GRCh37 (hg19) VCF-style: chr22-32887094-A-AT.
Other names: c.656_657insT, p.Lys220fs (NM_001033024.2); c.551_552insT, p.Lys185fs (NM_001257990.2); short protein forms K185fs, K220fs, K299fs.
Identifiers: ClinVar variation 2960440 (VCV002960440.3), dbSNP rs2057531939, ClinGen allele CA1025162312.
Genomic context (GRCh38, chr22:32,491,107, plus strand): 5'-TGATTTTGGGTTTTGATTTTACTTTAAAAAATATTCTAGGGGAAAATGTAGCCAACATAT[A>AT]CAAAGATCTTCAGAAACTCTCTCGCCTCTTTAAAGACCAGCTGGTGTATCCTCTTCTGGC-3'

ClinVar aggregate classification (germline): Pathogenic (1 of 4 stars; one submission).

Conditions:
Parkinsonian-pyramidal syndrome. Also called: PARKINSON DISEASE 15, AUTOSOMAL RECESSIVE; PALLIDOPYRAMIDAL SYNDROME; PARKINSON DISEASE 15, AUTOSOMAL RECESSIVE EARLY-ONSET. Identifiers: Orphanet 171695, MedGen C1850100, MONDO:0009830, OMIM 260300.

Allele frequency attached by ClinVar (database versions not stated): gnomAD 0.00001.

Submission:

Labcorp Genetics (formerly Invitae), Labcorp
Classification: Pathogenic for Parkinsonian-pyramidal syndrome. Last evaluated: 2023-07-19. Review status: criteria provided, single submitter. Criteria: Invitae Variant Classification Sherloc (09022015). Collection method: clinical testing. Allele origin: germline.
Comment: For these reasons, this variant has been classified as Pathogenic. This variant has not been reported in the literature in individuals affected with FBXO7-related conditions. This variant is not present in population databases (gnomAD no frequency). This sequence change creates a premature translational stop signal (p.Lys299Glnfs*11) in the FBXO7 gene. It is expected to result in an absent or disrupted protein product. Loss-of-function variants in FBXO7 are known to be pathogenic (PMID: 21347293).

Literature cited by the submitters: PubMed 21347293.